The following is an entry in ClinVar:

NM_000179.3(MSH6):c.3426G>C (p.Thr1142=)

Gene: MSH6 (mutS homolog 6; plus strand). Cytogenetic location: 2p16.3.
Variant type: single nucleotide variant.
Coding change: c.3426G>C on transcript NM_000179.3 (MANE Select); coding-DNA position 3426, G replaced by C.
Protein change: p.Thr1142=; no amino-acid change (threonine 1142 retained).
Molecular consequence: synonymous variant.
Genome position (GRCh38, 1-based): chr2:47,803,673, G>C. VCF-style: chr2-47803673-G-C. GRCh37 (hg19) VCF-style: chr2-48030812-G-C.
Other names: c.3036G>C, p.Thr1012= (NM_001281492.2); c.2520G>C, p.Thr840= (NM_001281493.2, NM_001281494.2).
Identifiers: ClinVar variation 919487 (VCV000919487.15), dbSNP rs747771350, ClinGen allele CA346758943.
Genomic context (GRCh38, chr2:47,803,673, plus strand): 5'-GGAAAATGGCAAAGCCTATTGTGTGCTTGTTACTGGACCAAATATGGGGGGCAAGTCTAC[G>C]CTTATGAGACAGGTAACTGATTCTTAAAGTTTTGTTATCAGAAAGTCATTTGTGACATTA-3'
Protein context (NP_000170.1, residues 1132-1152): VTGPNMGGKS[Thr1142=]LMRQAGLLAV

ClinVar aggregate classification (germline): Benign/Likely benign. Review status: criteria provided, multiple submitters, no conflicts (2 of 4 stars). 4 submissions from 4 submitters: Benign (1); Likely benign (3). Last evaluated 2025-11-05.

Conditions:
Lynch syndrome 5 (LYNCH5). Also called: Colorectal cancer, hereditary nonpolyposis, type 5; Hereditary non-polyposis colorectal cancer, type 5. Identifiers: Orphanet 144, MedGen C1833477, MONDO:0013710, OMIM 614350. Disease mechanism: loss of function.
Hereditary nonpolyposis colorectal neoplasms. Identifiers: MedGen C0009405, MeSH D003123.
Hereditary cancer-predisposing syndrome. Also called: Neoplastic Syndromes, Hereditary; Tumor predisposition; Hereditary Cancer Syndrome; Hereditary neoplastic syndrome. Identifiers: Orphanet 140162, MedGen C0027672, MeSH D009386, MONDO:0015356.

gnomAD v4.1: 1 of 1,614,166 alleles (0.000062%); highest among the groups gnomAD compares: Non-Finnish European, 0.000085%; no homozygotes.

Submissions (4):

Labcorp Genetics (formerly Invitae), Labcorp
Classification: Likely benign for Hereditary nonpolyposis colorectal neoplasms. Last evaluated: 2025-11-05. Review status: criteria provided, single submitter. Criteria: Invitae Variant Classification Sherloc (09022015). Collection method: clinical testing. Allele origin: germline.

Ambry Genetics
Classification: Likely benign for Hereditary cancer-predisposing syndrome. Last evaluated: 2025-02-08. Review status: criteria provided, single submitter. Criteria: Ambry Variant Classification Scheme 2023. Collection method: clinical testing. Allele origin: germline.

Myriad Genetics, Inc.
Classification: Benign for Lynch syndrome 5. Last evaluated: 2025-01-06. Review status: criteria provided, single submitter. Criteria: Myriad Autosomal Dominant, Autosomal Recessive and X-Linked Classification Criteria (2023). Collection method: clinical testing. Allele origin: unknown.
Comment: This variant is considered benign. This variant is a silent/synonymous amino acid change and it is not expected to impact splicing.

Color Diagnostics, LLC DBA Color Health
Classification: Likely benign for Hereditary cancer-predisposing syndrome. Last evaluated: 2018-12-04. Review status: criteria provided, single submitter. Criteria: ACMG Guidelines, 2015. Collection method: clinical testing. Allele origin: germline.